The following is an entry in ClinVar:

ClinVar aggregate classification (germline): Pathogenic (1 of 4 stars; one submission).

Submission:

Labcorp Genetics (formerly Invitae), Labcorp
Classification: Pathogenic. Last evaluated: 2024-02-13. Review status: criteria provided, single submitter. Criteria: Invitae Variant Classification Sherloc (09022015). Collection method: clinical testing. Allele origin: germline.
Comment: This sequence change creates a premature translational stop signal (p.Gly239Glufs*14) in the KCNJ1 gene. While this is not anticipated to result in nonsense mediated decay, it is expected to disrupt the last 153 amino acid(s) of the KCNJ1 protein. This variant is present in population databases (rs747594575, gnomAD 0.003%). This premature translational stop signal has been observed in individual(s) with Bartter syndrome (PMID: 29942493). This variant disrupts a region of the KCNJ1 protein in which other variant(s) (p.His354Serfs*8) have been determined to be pathogenic (PMID: 11318951). This suggests that this is a clinically significant region of the protein, and that variants that disrupt it are likely to be disease-causing. For these reasons, this variant has been classified as Pathogenic.

Literature cited by the submitters: PubMed 29942493; PubMed 11318951.

NM_153766.3(KCNJ1):c.659del (p.Gly220fs)

Gene: KCNJ1 (potassium inwardly rectifying channel subfamily J member 1; minus strand). Cytogenetic location: 11q24.3.
Variant type: Deletion.
Coding change: c.659del on transcript NM_153766.3 (MANE Select); coding-DNA position 659, one base deleted (G; older notation c.659delG).
Protein change: p.Gly220fs; shifts the reading frame from glycine 220.
Molecular consequence: frameshift variant.
Genome position (GRCh38, 1-based): chr11:128,839,585, C deleted on the plus strand (G on the coding strand, the reverse complement: KCNJ1 is on the minus strand); the first of 2 consecutive C bases (chr11:128,839,585-128,839,586); deleting either gives the same sequence. VCF-style (leftmost placement, unchanged base first): chr11-128839584-TC-T. GRCh37 (hg19) VCF-style: chr11-128709479-TC-T.
Other names: c.716del, p.Gly239fs (NM_000220.6); c.659del, p.Gly220fs (NM_153764.3, NM_153767.4); c.710del, p.Gly237fs (NM_153765.3); short protein forms G237fs, G239fs, G220fs.
Identifiers: ClinVar variation 3004651 (VCV003004651.3), dbSNP rs747594575, ClinGen allele CA6357479.